The following is an entry in ClinVar:

ClinVar aggregate classification (germline): Uncertain significance. Review status: criteria provided, single submitter (1 of 4 stars). 2 submissions from 2 submitters: Uncertain significance (1). 1 of the submissions does not count toward it. Last evaluated 2025-09-01.

Conditions:
ABCC2-related disorder. Also called: ABCC2-related condition.
Inborn genetic diseases. Identifiers: MedGen C0950123, MeSH D030342.

gnomAD v4.1: 16 of 1,614,048 alleles (0.00099%); highest among the groups gnomAD compares: South Asian, 0.016%; no homozygotes.

Submissions (2):

Ambry Genetics
Classification: Uncertain significance for Inborn genetic diseases. Last evaluated: 2025-09-01. Review status: criteria provided, single submitter. Criteria: Ambry Variant Classification Scheme 2023. Collection method: clinical testing. Allele origin: germline.

PreventionGenetics, part of Exact Sciences
Classification: Uncertain significance for ABCC2-related condition. Last evaluated: 2024-07-15. Review status: no assertion criteria provided. Collection method: clinical testing. Allele origin: germline. Not counted in ClinVar's aggregate classification.
Comment: The ABCC2 c.1625T>G variant is predicted to result in the amino acid substitution p.Leu542Arg. To our knowledge, this variant has not been reported in the literature. This variant is reported in 0.013% of alleles in individuals of South Asian descent in gnomAD. At this time, the clinical significance of this variant is uncertain due to the absence of conclusive functional and genetic evidence.

NM_000392.5(ABCC2):c.1625T>G (p.Leu542Arg)

Gene: ABCC2 (ATP binding cassette subfamily C member 2; plus strand). Cytogenetic location: 10q24.2.
Variant type: single nucleotide variant.
Coding change: c.1625T>G on transcript NM_000392.5 (MANE Select); coding-DNA position 1625, T replaced by G.
Protein change: p.Leu542Arg; replaces leucine 542 with arginine.
Molecular consequence: missense variant.
Genome position (GRCh38, 1-based): chr10:99,807,478, T>G. VCF-style: chr10-99807478-T-G. GRCh37 (hg19) VCF-style: chr10-101567235-T-G.
Other names: c.1625T>G (NM_000392.3); short protein forms L542R.
Identifiers: ClinVar variation 3357324 (VCV003357324.2).